The following is an entry in ClinVar:

NM_001367624.2(ZNF469):c.1209G>C (p.Gln403His)

Gene: ZNF469 (zinc finger protein 469; plus strand). Cytogenetic location: 16q24.2.
Variant type: single nucleotide variant.
Coding change: c.1209G>C on transcript NM_001367624.2 (MANE Select); coding-DNA position 1209, G replaced by C.
Protein change: p.Gln403His; replaces glutamine 403 with histidine.
Molecular consequence: missense variant.
Genome position (GRCh38, 1-based): chr16:88,428,679, G>C. VCF-style: chr16-88428679-G-C. GRCh37 (hg19) VCF-style: chr16-88495087-G-C.
Other names: NM_001127464.1:c.1209G>C; short protein forms Q403H.
Identifiers: ClinVar variation 3987338 (VCV003987338.1).

ClinVar aggregate classification (germline): Uncertain significance (1 of 4 stars; one submission).

Conditions:
Cardiovascular phenotype. Identifiers: MedGen CN230736.

gnomAD v4.1: 1 of 1,549,844 alleles (0.000065%); highest among the groups gnomAD compares: Non-Finnish European, 0.000087%; no homozygotes.

Submission:

Ambry Genetics
Classification: Uncertain significance for Cardiovascular phenotype. Last evaluated: 2025-05-05. Review status: criteria provided, single submitter. Criteria: Ambry Variant Classification Scheme 2023. Collection method: clinical testing. Allele origin: germline.
Comment: The p.Q403H variant (also known as c.1209G>C), located in coding exon 1 of the ZNF469 gene, results from a G to C substitution at nucleotide position 1209. The glutamine at codon 403 is replaced by histidine, an amino acid with highly similar properties. This amino acid position is conserved. In addition, this alteration is predicted to be tolerated by in silico analysis. Based on the available evidence, the clinical significance of this variant remains unclear.